The following is an entry in ClinVar:

ClinVar aggregate classification (germline): Uncertain significance (3 of 4 stars; one submission).

Conditions:
Monogenic diabetes. Identifiers: Orphanet 183625, MedGen C3888631, MONDO:0015967.

Submission:

ClinGen Monogenic Diabetes Variant Curation Expert Panel
Classification: Uncertain significance for Monogenic diabetes. Last evaluated: 2025-06-18. Review status: reviewed by expert panel. Criteria: ClinGen Diabetes ACMG Specifications HNF1A V2.1.0. Collection method: curation. Allele origin: germline. Inheritance: Autosomal dominant inheritance.
Comment: The c.323T>C variant in the HNF1 homeobox A gene, HNF1A, causes an amino acid change of leucine to proline at codon 108 (p.(Leu108Pro)) of NM_000545.8. This variant is located within a conserved region of the DNA binding domain (codons 107-174 and 201-280) of HNF1A, which is defined as critical for the protein’s function by the ClinGen MDEP (PM1_Supporting), and is absent from gnomAD v2.1.1 and v4.1.0 (PM2_Supporting). This variant is predicted to be deleterious by computational evidence, with a REVEL score of 0.968, which is greater than the MDEP VCEP threshold of 0.70 (PP3). This variant was identified in two unrelated individuals with non-autoimmune and non-absolute/near-absolute insulin-deficient diabetes; however, PS4_Moderate cannot be applied because this number is below the ClinGen MDEP threshold (DOI: 10.3760/cma.j.cn121383-20200729-07076, internal lab contributors). This variant segregated with diabetes with one informative meioses in a single family; however, this does not meet the thresholds for PP1 set by the ClinGen MDEP (DOI: 10.3760/cma.j.cn121383-20200729-07076). This variant was identified in an individual with a clinical history suggestive of HNF1A-MODY (MODY probability calculator result >50%); however, HNF4A was not tested (internal lab contributors). Therefore, PP4 cannot be applied. In summary, c.323T>C meets the criteria to be classified as a variant of uncertain significance for monogenic diabetes. ACMG/AMP criteria applied, as specified by the ClinGen MDEP (specification version 2.1.0, approved 8/11/23): PM1_Supporting, PM2_Supporting, PP3.

Literature cited by the submitters: DOI 10.3760/cma.j.cn121383-20200729-07076.

NM_000545.8(HNF1A):c.323T>C (p.Leu108Pro)

Gene: HNF1A (HNF1 homeobox A; plus strand). Cytogenetic location: 12q24.31.
Variant type: single nucleotide variant.
Coding change: c.323T>C on transcript NM_000545.8 (MANE Select); coding-DNA position 323, T replaced by C.
Protein change: p.Leu108Pro; replaces leucine 108 with proline.
Molecular consequence: missense variant.
Genome position (GRCh38, 1-based): chr12:120,979,091, T>C. VCF-style: chr12-120979091-T-C. GRCh37 (hg19) VCF-style: chr12-121416894-T-C.
Other names: NM_001306179.2:c.323T>C; c.323T>C, p.Leu108Pro (NM_001306179.2); short protein forms L108P.
Identifiers: ClinVar variation 1676697 (VCV001676697.4), dbSNP rs2135820418, ClinGen allele CA386954942.